The following is an entry in ClinVar:

NM_145331.3(MAP3K7):c.1217C>G (p.Ser406Cys)

Gene: MAP3K7 (mitogen-activated protein kinase kinase kinase 7; minus strand). Cytogenetic location: 6q15.
Variant type: single nucleotide variant.
Coding change: c.1217C>G on transcript NM_145331.3 (MANE Select); coding-DNA position 1217, C replaced by G.
Protein change: p.Ser406Cys; replaces serine 406 with cysteine.
Molecular consequence: missense variant. On other transcripts: intron variant (2).
Genome position (GRCh38, 1-based): chr6:90,544,626, G>C on the plus strand (C>G on the coding strand, the complement: MAP3K7 is on the minus strand). VCF-style: chr6-90544626-G-C. GRCh37 (hg19) VCF-style: chr6-91254345-G-C.
Other names: c.1217C>G, p.Ser406Cys (NM_145332.3); c.1210+2632C>G (NM_145333.3, NM_003188.4); short protein forms S406C.
Identifiers: ClinVar variation 1509708 (VCV001509708.6), dbSNP rs1258442093, ClinGen allele CA365008449.

ClinVar aggregate classification (germline): Uncertain significance (1 of 4 stars; one submission).

Submission:

Labcorp Genetics (formerly Invitae), Labcorp
Classification: Uncertain significance. Last evaluated: 2024-11-04. Review status: criteria provided, single submitter. Criteria: Invitae Variant Classification Sherloc (09022015). Collection method: clinical testing. Allele origin: germline.
Comment: This sequence change replaces serine, which is neutral and polar, with cysteine, which is neutral and slightly polar, at codon 406 of the MAP3K7 protein (p.Ser406Cys). This variant is not present in population databases (gnomAD no frequency). This variant has not been reported in the literature in individuals affected with MAP3K7-related conditions. ClinVar contains an entry for this variant (Variation ID: 1509708). An algorithm developed to predict the effect of missense changes on protein structure and function (PolyPhen-2) suggests that this variant is likely to be tolerated. In summary, the available evidence is currently insufficient to determine the role of this variant in disease. Therefore, it has been classified as a Variant of Uncertain Significance.